The following is an entry in ClinVar:

NM_001354604.2(MITF):c.593A>T (p.Lys198Met)

Gene: MITF (melanocyte inducing transcription factor; plus strand). Cytogenetic location: 3p13.
Variant type: single nucleotide variant.
Coding change: c.593A>T on transcript NM_001354604.2 (MANE Select); coding-DNA position 593, A replaced by T.
Protein change: p.Lys198Met; replaces lysine 198 with methionine.
Molecular consequence: missense variant.
Genome position (GRCh38, 1-based): chr3:69,939,108, A>T. VCF-style: chr3-69939108-A-T. GRCh37 (hg19) VCF-style: chr3-69988259-A-T.
Other names: c.272A>T, p.Lys91Met (NM_000248.4, NM_198158.3); c.437A>T, p.Lys146Met (NM_001184967.2, NM_001354608.2); c.590A>T, p.Lys197Met (NM_001354605.2, NM_001354606.2, NM_006722.3); c.542A>T, p.Lys181Met (NM_001354607.2); c.593A>T, p.Lys198Met (NM_198159.3); c.545A>T, p.Lys182Met (NM_198177.3); c.104A>T, p.Lys35Met (NM_198178.3); short protein forms K146M, K181M, K182M, K197M, K198M, K35M, K91M.
Identifiers: ClinVar variation 1713542 (VCV001713542.5), dbSNP rs2107483628, ClinGen allele CA353560840.

ClinVar aggregate classification (germline): Uncertain significance (1 of 4 stars; one submission).

Conditions:
Tietz syndrome (TADS). Also called: ALBINISM-DEAFNESS OF TIETZ; HYPOPIGMENTATION/DEAFNESS OF TIETZ; TIETZ ALBINISM-DEAFNESS SYNDROME. Identifiers: Orphanet 42665, MedGen C0391816, MONDO:0007077, OMIM 103500.
Waardenburg syndrome type 2A (WS2A). Also called: WAARDENBURG SYNDROME WITHOUT DYSTOPIA CANTHORUM. Identifiers: Orphanet 3440, MedGen C1860339, MONDO:0008671, OMIM 193510.
Melanoma, cutaneous malignant, susceptibility to, 8. Also called: Cutaneous malignant melanoma 8; MELANOMA AND RENAL CELL CARCINOMA, SUSCEPTIBILITY TO. Identifiers: Orphanet 293822, MedGen C3152204, MONDO:0013759, OMIM 614456.

Submission:

Labcorp Genetics (formerly Invitae), Labcorp
Classification: Uncertain significance for Melanoma, cutaneous malignant, susceptibility to, 8; Waardenburg syndrome type 2A; Tietz syndrome. Last evaluated: 2022-07-23. Review status: criteria provided, single submitter. Criteria: Invitae Variant Classification Sherloc (09022015). Collection method: clinical testing. Allele origin: germline.
Comment: This sequence change replaces lysine, which is basic and polar, with methionine, which is neutral and non-polar, at codon 91 of the MITF protein (p.Lys91Met). In summary, the available evidence is currently insufficient to determine the role of this variant in disease. Therefore, it has been classified as a Variant of Uncertain Significance. Algorithms developed to predict the effect of missense changes on protein structure and function are either unavailable or do not agree on the potential impact of this missense change (SIFT: "Deleterious"; PolyPhen-2: "Possibly Damaging"; Align-GVGD: "Class C0"). This variant has not been reported in the literature in individuals affected with MITF-related conditions. This variant is not present in population databases (gnomAD no frequency).